The following is an entry in ClinVar:

ClinVar aggregate classification (germline): Benign/Likely benign. Review status: criteria provided, multiple submitters, no conflicts (2 of 4 stars). 4 submissions from 4 submitters: Benign (1); Likely benign (2). 1 of the submissions does not count toward it. Last evaluated 2025-06-10.

Conditions:
COMP-related disorder. Also called: COMP-related disorders; COMP-related condition.

Allele frequency attached by ClinVar (database versions not stated): gnomAD 0.00006 and 0.00013; gnomAD exomes 0.00007 and 0.00035; TOPMed 0.00021; ExAC 0.00030; 1000 Genomes Project 30x 0.00156; 1000 Genomes Project 0.00180.
gnomAD v4.1: 123 of 1,613,926 alleles (0.0076%); highest among the groups gnomAD compares: East Asian, 0.25%; no homozygotes.

Submissions (4):

Labcorp Genetics (formerly Invitae), Labcorp
Classification: Benign. Last evaluated: 2025-06-10. Review status: criteria provided, single submitter. Criteria: Invitae Variant Classification Sherloc (09022015). Collection method: clinical testing. Allele origin: germline.

Blueprint Genetics
Classification: Likely benign. Last evaluated: 2024-11-20. Review status: criteria provided, single submitter. Criteria: ACMG Guidelines, 2015. Collection method: clinical testing. Allele origin: germline.

GeneDx
Classification: Likely benign. Last evaluated: 2020-09-21. Review status: criteria provided, single submitter. Criteria: GeneDx Variant Classification Process June 2021. Collection method: clinical testing. Allele origin: germline. Affected: yes.

PreventionGenetics, part of Exact Sciences
Classification: Benign for COMP-related condition. Last evaluated: 2020-03-09. Review status: no assertion criteria provided. Collection method: clinical testing. Allele origin: germline. Not counted in ClinVar's aggregate classification.
Comment: This variant is classified as benign based on ACMG/AMP sequence variant interpretation guidelines (Richards et al. 2015 PMID: 25741868, with internal and published modifications).

NM_000095.3(COMP):c.1255-5C>T

Gene: COMP (cartilage oligomeric matrix protein; minus strand). Cytogenetic location: 19p13.11.
Variant type: single nucleotide variant.
Coding change: c.1255-5C>T on transcript NM_000095.3 (MANE Select); 5 bases into the intron before coding-DNA position 1255, C replaced by T.
Molecular consequence: intron variant.
Genome position (GRCh38, 1-based): chr19:18,786,296, G>A on the plus strand (C>T on the coding strand, the complement: COMP is on the minus strand). VCF-style: chr19-18786296-G-A. GRCh37 (hg19) VCF-style: chr19-18897106-G-A.
Identifiers: ClinVar variation 737996 (VCV000737996.14), dbSNP rs201124517, ClinGen allele CA9316470.